The following is an entry in ClinVar:

ClinVar aggregate classification (germline): Pathogenic (1 of 4 stars; one submission).

Conditions:
Galactosylceramide beta-galactosidase deficiency. Also called: Leukodystrophy, Globoid Cell; GALACTOCEREBROSIDASE DEFICIENCY; GALC DEFICIENCY; GLOBOID CELL LEUKOENCEPHALOPATHY; Krabbe Disease. Identifiers: Orphanet 487, MedGen C0023521, MONDO:0009499, OMIM 245200.

Submission:

Centre for Mendelian Genomics, University Medical Centre Ljubljana
Classification: Pathogenic for Galactosylceramide beta-galactosidase deficiency. Last evaluated: 2016-01-01. Review status: criteria provided, single submitter. Criteria: ACMG Guidelines, 2015. Collection method: clinical testing. Allele origin: unknown. Affected: yes.
Comment: This variant was classified as: Pathogenic. The following ACMG criteria were applied in classifying this variant: PVS1,PM2,PP3.

NM_000153.4(GALC):c.442+1G>A

Gene: GALC (galactosylceramidase; minus strand). Cytogenetic location: 14q31.3.
Variant type: single nucleotide variant.
Coding change: c.442+1G>A on transcript NM_000153.4 (MANE Select); the canonical splice donor site of the intron after coding-DNA position 442, G replaced by A.
Molecular consequence: splice donor variant.
Genome position (GRCh38, 1-based): chr14:87,986,488, C>T on the plus strand (G>A on the coding strand, the complement: GALC is on the minus strand). VCF-style: chr14-87986488-C-T. GRCh37 (hg19) VCF-style: chr14-88452832-C-T.
Other names: c.364+1G>A (NM_001201402.2); c.373+1G>A (NM_001201401.2).
Identifiers: ClinVar variation 931961 (VCV000931961.3), dbSNP rs1886976159, ClinGen allele CA390752299.